The following is an entry in ClinVar:

NM_000260.4(MYO7A):c.565_566del (p.Val189fs)

Gene: MYO7A (myosin VIIA; plus strand). Cytogenetic location: 11q13.5.
Variant type: Deletion.
Coding change: c.565_566del on transcript NM_000260.4 (MANE Select); coding-DNA positions 565 to 566, 2 bases deleted (GT; older notation c.565_566delGT).
Protein change: p.Val189fs; shifts the reading frame from valine 189.
Molecular consequence: frameshift variant.
Genome position (GRCh38, 1-based): chr11:77,156,754-77,156,755, GT deleted. VCF-style (leftmost placement, unchanged base first): chr11-77156753-GGT-G. GRCh37 (hg19) VCF-style: chr11-76867799-GGT-G.
Other names: c.565_566del, p.Val189fs (NM_001127180.2); c.532_533del, p.Val178fs (NM_001369365.1); short protein forms V178fs, V189fs.
Identifiers: ClinVar variation 397509 (VCV000397509.2), dbSNP rs1060499651, ClinGen allele CA16609395.

ClinVar aggregate classification (germline): Pathogenic (1 of 4 stars; one submission).

Conditions:
Autosomal recessive nonsyndromic hearing loss 2. Also called: DEAFNESS, AUTOSOMAL RECESSIVE 2; NEUROSENSORY NONSYNDROMIC RECESSIVE DEAFNESS 2. Identifiers: Orphanet 90636, MedGen C1838701, MONDO:0010807, OMIM 600060.

Submission:

Center of Genomic medicine, Geneva, University Hospital of Geneva
Classification: Pathogenic for Autosomal recessive nonsyndromic hearing loss 2. Last evaluated: 2016-06-01. Review status: criteria provided, single submitter. Criteria: ACMG Guidelines, 2015. Collection method: clinical testing. Allele origin: inherited. Affected: yes.